The following is an entry in ClinVar:

NM_001378609.3(OTOGL):c.1123C>A (p.Pro375Thr)

Gene: OTOGL (otogelin like; plus strand). Cytogenetic location: 12q21.31.
Variant type: single nucleotide variant.
Coding change: c.1123C>A on transcript NM_001378609.3 (MANE Select); coding-DNA position 1123, C replaced by A.
Protein change: p.Pro375Thr; replaces proline 375 with threonine.
Molecular consequence: missense variant.
Genome position (GRCh38, 1-based): chr12:80,251,763, C>A. VCF-style: chr12-80251763-C-A. GRCh37 (hg19) VCF-style: chr12-80645543-C-A.
Other names: c.1123C>A, p.Pro375Thr (NM_001368062.3, NM_001378610.3, NM_173591.7); short protein forms P375T.
Identifiers: ClinVar variation 4083219 (VCV004083219.1).

ClinVar aggregate classification (germline): Uncertain significance (1 of 4 stars; one submission).

Submission:

GeneDx
Classification: Uncertain significance. Last evaluated: 2025-03-14. Review status: criteria provided, single submitter. Criteria: GeneDx Variant Classification Process June 2021. Collection method: clinical testing. Allele origin: germline. Affected: yes.
Comment: Not observed at significant frequency in large population cohorts (gnomAD); In silico analysis supports that this missense variant has a deleterious effect on protein structure/function; Has not been previously published as pathogenic or benign to our knowledge